The following is an entry in ClinVar:

ClinVar aggregate classification (germline): Pathogenic. Review status: criteria provided, multiple submitters, no conflicts (2 of 4 stars). 2 submissions from 2 submitters: Pathogenic (2). Last evaluated 2025-12-08.

Conditions:
Hereditary cancer-predisposing syndrome. Also called: Neoplastic Syndromes, Hereditary; Tumor predisposition; Hereditary Cancer Syndrome; Hereditary neoplastic syndrome. Identifiers: Orphanet 140162, MedGen C0027672, MeSH D009386, MONDO:0015356.
Familial adenomatous polyposis 1 (FAP1). Also called: POLYPOSIS, ADENOMATOUS INTESTINAL; FAMILIAL ADENOMATOUS POLYPOSIS 1, ATTENUATED. Identifiers: MedGen C2713442, MONDO:0021056, OMIM 175100. Disease mechanism: loss of function.

Submissions (2):

Ambry Genetics
Classification: Pathogenic for Hereditary cancer-predisposing syndrome. Last evaluated: 2025-12-08. Review status: criteria provided, single submitter. Criteria: Ambry Variant Classification Scheme 2023. Collection method: clinical testing. Allele origin: germline.
Comment: The c.1594delC pathogenic mutation, located in coding exon 12 of the APC gene, results from a deletion of one nucleotide at nucleotide position 1594, causing a translational frameshift with a predicted alternate stop codon (p.Q532Nfs*2). This variant is considered to be rare based on population cohorts in the Genome Aggregation Database (gnomAD). This alteration is expected to result in loss of function by premature protein truncation or nonsense-mediated mRNA decay. As such, this alteration is interpreted as a disease-causing mutation.

Labcorp Genetics (formerly Invitae), Labcorp
Classification: Pathogenic for Familial adenomatous polyposis 1. Last evaluated: 2025-07-05. Review status: criteria provided, single submitter. Criteria: Invitae Variant Classification Sherloc (09022015). Collection method: clinical testing. Allele origin: germline.
Comment: This sequence change creates a premature translational stop signal (p.Gln532Asnfs*2) in the APC gene. It is expected to result in an absent or disrupted protein product. Loss-of-function variants in APC are known to be pathogenic (PMID: 17963004, 20685668). This variant is not present in population databases (gnomAD no frequency). This premature translational stop signal has been observed in individual(s) with familial adenomatous polyposis (PMID: 15951963). This variant is also known as L533X. For these reasons, this variant has been classified as Pathogenic.

Literature cited by the submitters: PubMed 17963004 (cited by Labcorp Genetics (formerly Invitae), Labcorp); PubMed 20685668 (cited by Labcorp Genetics (formerly Invitae), Labcorp); PubMed 15951963 (cited by Labcorp Genetics (formerly Invitae), Labcorp).

NM_000038.6(APC):c.1594del (p.Gln532fs)

Gene: APC (APC regulator of Wnt signaling pathway; plus strand). Cytogenetic location: 5q22.2.
Variant type: Deletion.
Coding change: c.1594del on transcript NM_000038.6 (MANE Select); coding-DNA position 1594, one base deleted (C; older notation c.1594delC).
Protein change: p.Gln532fs; shifts the reading frame from glutamine 532.
Molecular consequence: frameshift variant.
Genome position (GRCh38, 1-based): chr5:112,827,974, C deleted; the last of 3 consecutive C bases (chr5:112,827,972-112,827,974); deleting any one gives the same sequence. VCF-style (leftmost placement, unchanged base first): chr5-112827971-GC-G. GRCh37 (hg19) VCF-style: chr5-112163668-GC-G.
Other names: c.1594del, p.Gln532fs (NM_001127510.3, NM_001354895.2, NM_001407450.1); c.1540del, p.Gln514fs (NM_001127511.3); c.1648del, p.Gln550fs (NM_001354896.2, NM_001407447.1, NM_001407448.1 and 1 more transcripts); c.1624del, p.Gln542fs (NM_001354897.2); c.1519del, p.Gln507fs (NM_001354898.2); c.1510del, p.Gln504fs (NM_001354899.2); c.1471del, p.Gln491fs (NM_001354900.2); c.1417del, p.Gln473fs (NM_001354901.2, NM_001407453.1); and 11 more; short protein forms Q406fs, Q431fs, Q473fs, Q514fs, Q550fs, Q372fs, Q403fs, Q441fs.
Identifiers: ClinVar variation 4595509 (VCV004595509.2).
Genomic context (GRCh38, chr5:112,827,971, plus strand): 5'-TCTGTATTTAATTTACAGGCTACGCTATGCTCTATGAAAGGCTGCATGAGAGCACTTGTG[GC>G]CCAACTAAAATCTGAAAGTGAAGACTTACAGCAGGTACTATTTAGAATTTCACCTGTTTT-3'